The following is an entry in ClinVar:

ClinVar aggregate classification (germline): Benign. Review status: criteria provided, multiple submitters, no conflicts (2 of 4 stars). 10 submissions from 10 submitters: Benign (9). 1 of the submissions does not count toward it. Last evaluated 2026-02-04.

Conditions:
Microcephalic osteodysplastic primordial dwarfism type II (MOPD2). Also called: MOPD II; OSTEODYSPLASTIC PRIMORDIAL DWARFISM, TYPE II; Microcephalic osteodysplastic primordial dwarfism with tooth abnormalities. Identifiers: Orphanet 2637, MedGen C0432246, MONDO:0008872, OMIM 210720.

Allele frequency attached by ClinVar (database versions not stated): 1000 Genomes Project 30x 0.29669; 1000 Genomes Project 0.29992; TOPMed 0.31487; ESP Exome Variant Server 0.32027; gnomAD 0.32249.
gnomAD v4.1: 579,460 of 1,591,548 alleles (36%); highest among the groups gnomAD compares: East Asian, 41%; 107,725 homozygotes.

Submissions (10):

Labcorp Genetics (formerly Invitae), Labcorp
Classification: Benign. Last evaluated: 2026-02-04. Review status: criteria provided, single submitter. Criteria: Invitae Variant Classification Sherloc (09022015). Collection method: clinical testing. Allele origin: germline.

Blueprint Genetics
Classification: Benign. Last evaluated: 2024-11-28. Review status: criteria provided, single submitter. Criteria: ACMG Guidelines, 2015. Collection method: clinical testing. Allele origin: germline.

Genome-Nilou Lab
Classification: Benign for Microcephalic osteodysplastic primordial dwarfism type II. Last evaluated: 2021-09-05. Review status: criteria provided, single submitter. Criteria: ACMG Guidelines, 2015. Collection method: clinical testing. Allele origin: germline. Affected: no.

Illumina Laboratory Services, Illumina
Classification: Benign for Microcephalic osteodysplastic primordial dwarfism type II. Last evaluated: 2018-01-13. Review status: criteria provided, single submitter. Criteria: ICSL Variant Classification Criteria 13 December 2019. Collection method: clinical testing. Allele origin: germline.
Comment: This variant was observed in the ICSL laboratory as part of a predisposition screen in an ostensibly healthy population. It had not been previously curated by ICSL or reported in the Human Gene Mutation Database (HGMD: prior to June 1st, 2018), and was therefore a candidate for classification through an automated scoring system. Utilizing variant allele frequency, disease prevalence and penetrance estimates, and inheritance mode, an automated score was calculated to assess if this variant is too frequent to cause the disease. Based on the score and internal cut-off values, a variant classified as benign is not then subjected to further curation. The score for this variant resulted in a classification of benign for this disease.

Clinical Genetics DNA and cytogenetics Diagnostics Lab, Erasmus MC, Erasmus Medical Center
Classification: Benign for Microcephalic osteodysplastic primordial dwarfism type II. Last evaluated: 2017-05-31. Review status: criteria provided, single submitter. Criteria: ACGS Guidelines, 2013. Collection method: clinical testing. Allele origin: germline. Affected: yes. Study: VKGL Data-share Consensus.

Eurofins Ntd Llc (ga)
Classification: Benign. Last evaluated: 2016-05-10. Review status: criteria provided, single submitter. Criteria: EGL Classification Definitions 2015. Collection method: clinical testing. Allele origin: germline. Observed: 2 variant alleles, 1 heterozygote, 1 homozygote.

GeneDx
Classification: Benign. Last evaluated: 2015-03-03. Review status: criteria provided, single submitter. Criteria: GeneDx Variant Classification Process June 2021. Collection method: clinical testing. Allele origin: germline. Affected: yes.

Genetic Services Laboratory, University of Chicago
Classification: Benign. Last evaluated: 2013-02-08. Review status: criteria provided, single submitter. Criteria: ACMG Guidelines, 2007. Collection method: clinical testing. Allele origin: germline. Inheritance: Autosomal recessive inheritance.

Breakthrough Genomics
Classification: Benign. Review status: criteria provided, single submitter. Criteria: ACMG Guidelines, 2015. Collection method: not provided. Allele origin: germline. Inheritance: Autosomal recessive inheritance. Affected: yes.

Diagnostic Laboratory, Department of Genetics, University Medical Center Groningen
Classification: Benign for Microcephalic osteodysplastic primordial dwarfism type II. Review status: no assertion criteria provided. Collection method: clinical testing. Allele origin: germline. Affected: yes. Study: VKGL Data-share Consensus. Not counted in ClinVar's aggregate classification.

NM_006031.6(PCNT):c.721-7G>A

Gene: PCNT (pericentrin; plus strand). Cytogenetic location: 21q22.3.
Variant type: single nucleotide variant.
Coding change: c.721-7G>A on transcript NM_006031.6 (MANE Select); 7 bases into the intron before coding-DNA position 721, G replaced by A.
Molecular consequence: intron variant.
Genome position (GRCh38, 1-based): chr21:46,346,736, G>A. VCF-style: chr21-46346736-G-A. GRCh37 (hg19) VCF-style: chr21-47766650-G-A.
Other names: c.367-7G>A (NM_001315529.2).
Identifiers: ClinVar variation 159653 (VCV000159653.25), dbSNP rs2839217, ClinGen allele CA173086.